The following is an entry in ClinVar:

NM_001042492.3(NF1):c.1260+4A>G

Gene: NF1 (neurofibromin 1; plus strand). Cytogenetic location: 17q11.2.
Variant type: single nucleotide variant.
Coding change: c.1260+4A>G on transcript NM_001042492.3 (MANE Select); 4 bases into the intron after coding-DNA position 1260, A replaced by G.
Molecular consequence: intron variant.
Genome position (GRCh38, 1-based): chr17:31,201,489, A>G. VCF-style: chr17-31201489-A-G. GRCh37 (hg19) VCF-style: chr17-29528507-A-G.
Other names: c.1260+4A>G (NM_000267.4, NM_001128147.3).
Identifiers: ClinVar variation 1318694 (VCV001318694.7), dbSNP rs2066529521, ClinGen allele CA2573054372.

ClinVar aggregate classification (germline): Uncertain significance. Review status: criteria provided, multiple submitters, no conflicts (2 of 4 stars). 3 submissions from 3 submitters: Uncertain significance (3). Last evaluated 2025-12-12.

Conditions:
Neurofibromatosis, type 1 (NF1). Also called: VON RECKLINGHAUSEN DISEASE; Peripheral type neurofibromatosis; NEUROFIBROMATOSIS, TYPE I, SOMATIC; Neurofibromatosis, type I. Identifiers: Orphanet 636, MedGen C0027831, MONDO:0018975, OMIM 162200. Disease mechanism: loss of function.

Submissions (3):

Labcorp Genetics (formerly Invitae), Labcorp
Classification: Uncertain significance for Neurofibromatosis, type 1. Last evaluated: 2025-12-12. Review status: criteria provided, single submitter. Criteria: Invitae Variant Classification Sherloc (09022015). Collection method: clinical testing. Allele origin: germline.
Comment: This sequence change falls in intron 11 of the NF1 gene. It does not directly change the encoded amino acid sequence of the NF1 protein. It affects a nucleotide within the consensus splice site. This variant is not present in population databases (gnomAD no frequency). This variant has not been reported in the literature in individuals affected with NF1-related conditions. ClinVar contains an entry for this variant (Variation ID: 1318694). Variants that disrupt the consensus splice site are a relatively common cause of aberrant splicing (PMID: 17576681, 9536098). Algorithms developed to predict the effect of sequence changes on RNA splicing suggest that this variant may disrupt the consensus splice site. In summary, the available evidence is currently insufficient to determine the role of this variant in disease. Therefore, it has been classified as a Variant of Uncertain Significance.

Blueprint Genetics
Classification: Uncertain significance. Last evaluated: 2024-03-14. Review status: criteria provided, single submitter. Criteria: ACMG Guidelines, 2015. Collection method: clinical testing. Allele origin: germline.

GeneDx
Classification: Uncertain significance. Last evaluated: 2020-03-12. Review status: criteria provided, single submitter. Criteria: GeneDx Variant Classification Process June 2021. Collection method: clinical testing. Allele origin: germline. Affected: yes.
Comment: Not observed in large population cohorts (Lek 2016); In silico analysis supports a deleterious effect on splicing; Has not been previously published as pathogenic or benign to our knowledge

Literature cited by the submitters: PubMed 17576681 (cited by Labcorp Genetics (formerly Invitae), Labcorp); PubMed 9536098 (cited by Labcorp Genetics (formerly Invitae), Labcorp).